The following is an entry in ClinVar:

ClinVar aggregate classification (germline): Uncertain significance (1 of 4 stars; one submission).

Conditions:
Neurodevelopmental disorder with microcephaly, hypotonia, and variable brain anomalies (NMIHBA). Identifiers: Orphanet 544469, MedGen C4479566, MONDO:0060490, OMIM 617481.

Allele frequency attached by ClinVar (database versions not stated): gnomAD exomes below 0.00001.
gnomAD v4.1: 2 of 1,614,088 alleles (0.00012%); highest among the groups gnomAD compares: Non-Finnish European, 0.00017%; no homozygotes.

Submission:

Baylor Genetics
Classification: Uncertain significance for Neurodevelopmental disorder with microcephaly, hypotonia, and variable brain anomalies. Last evaluated: 2019-10-09. Review status: criteria provided, single submitter. Criteria: ACMG Guidelines, 2015. Collection method: clinical testing. Allele origin: unknown. Affected: yes.
Comment: This variant was determined to be of uncertain significance according to ACMG Guidelines, 2015 [PMID:25741868].

NM_021222.3(PRUNE1):c.436G>T (p.Gly146Trp)

Gene: PRUNE1 (prune exopolyphosphatase 1; plus strand). Cytogenetic location: 1q21.3.
Variant type: single nucleotide variant.
Coding change: c.436G>T on transcript NM_021222.3 (MANE Select); coding-DNA position 436, G replaced by T.
Protein change: p.Gly146Trp; replaces glycine 146 with tryptophan.
Molecular consequence: missense variant. On other transcripts: 5 prime UTR variant (1), intron variant (1).
Genome position (GRCh38, 1-based): chr1:151,024,711, G>T. VCF-style: chr1-151024711-G-T. GRCh37 (hg19) VCF-style: chr1-150997187-G-T.
Other names: c.-111G>T (NM_001303229.2); c.436G>T, p.Gly146Trp (NM_001303242.2); c.77-2522G>T (NM_001303243.2); short protein forms G146W.
Identifiers: ClinVar variation 1029811 (VCV001029811.1), dbSNP rs1674713735, ClinGen allele CA341904839.